The following is an entry in ClinVar:

NM_001792.5(CDH2):c.1493C>T (p.Ala498Val)

Gene: CDH2 (cadherin 2; minus strand). Cytogenetic location: 18q12.1.
Variant type: single nucleotide variant.
Coding change: c.1493C>T on transcript NM_001792.5 (MANE Select); coding-DNA position 1493, C replaced by T.
Protein change: p.Ala498Val; replaces alanine 498 with valine.
Molecular consequence: missense variant.
Genome position (GRCh38, 1-based): chr18:27,990,202, G>A on the plus strand (C>T on the coding strand, the complement: CDH2 is on the minus strand). VCF-style: chr18-27990202-G-A. GRCh37 (hg19) VCF-style: chr18-25570166-G-A.
Other names: c.1400C>T, p.Ala467Val (NM_001308176.2); short protein forms A467V, A498V.
Identifiers: ClinVar variation 4608862 (VCV004608862.1).

ClinVar aggregate classification (germline): Uncertain significance (1 of 4 stars; one submission).

Conditions:
Inborn genetic diseases. Identifiers: MedGen C0950123, MeSH D030342.

gnomAD v4.1: 1 of 1,614,104 alleles (0.000062%); highest among the groups gnomAD compares: Non-Finnish European, 0.000085%; no homozygotes.

Submission:

Ambry Genetics
Classification: Uncertain significance for Inborn genetic diseases. Last evaluated: 2025-10-27. Review status: criteria provided, single submitter. Criteria: Ambry Variant Classification Scheme 2023. Collection method: clinical testing. Allele origin: germline.
Comment: The p.A498V variant (also known as c.1493C>T), located in coding exon 10 of the CDH2 gene, results from a C to T substitution at nucleotide position 1493. The alanine at codon 498 is replaced by valine, an amino acid with similar properties. This amino acid position is conserved. In addition, this alteration is predicted to be tolerated by in silico analysis. Based on the available evidence, the clinical significance of this variant remains unclear.